The following is an entry in ClinVar:

ClinVar aggregate classification (germline): Uncertain significance (1 of 4 stars; one submission).

Conditions:
PHIP-related disorder. Also called: PHIP-related disorders; PHIP-related condition.

Submission:

PreventionGenetics, part of Exact Sciences
Classification: Uncertain significance for PHIP-related condition. Last evaluated: 2025-01-29. Review status: criteria provided, single submitter. Criteria: ACMG Guidelines, 2015. Collection method: clinical testing. Allele origin: germline.
Comment: The PHIP c.392G>A variant is predicted to result in the amino acid substitution p.Gly131Glu. To our knowledge, this variant has not been reported in the literature or in a large population database (gnomAD), indicating this variant is rare. At this time, the clinical significance of this variant is uncertain due to the absence of conclusive functional and genetic evidence.

NM_017934.7(PHIP):c.392G>A (p.Gly131Glu)

Gene: PHIP (PHIP subunit of CUL4-Ring ligase complex; minus strand). Cytogenetic location: 6q14.1.
Variant type: single nucleotide variant.
Coding change: c.392G>A on transcript NM_017934.7 (MANE Select); coding-DNA position 392, G replaced by A.
Protein change: p.Gly131Glu; replaces glycine 131 with glutamic acid.
Molecular consequence: missense variant.
Genome position (GRCh38, 1-based): chr6:79,060,525, C>T on the plus strand (G>A on the coding strand, the complement: PHIP is on the minus strand). VCF-style: chr6-79060525-C-T. GRCh37 (hg19) VCF-style: chr6-79770242-C-T.
Other names: short protein forms G131E.
Identifiers: ClinVar variation 5000339 (VCV005000339.1).
Genomic context (GRCh38, chr6:79,060,525, plus strand): 5'-TCAAACAACTCACCAATGCTGGGTGGGCTACCATAGTTAACTGGTGACTCAGGTGGTCTT[C>T]CACAGTGCAACGCAGCCAGAGCAGATCCTTTCCACACAACATGCTTGCAGCCTATTAAAC-3'
Protein context (NP_060404.4, residues 121-141): KGSALAALHC[Gly131Glu]RPPESPVNYG